The following is an entry in ClinVar:

ClinVar aggregate classification (germline): Uncertain significance. Review status: criteria provided, single submitter (1 of 4 stars). 2 submissions from 2 submitters: Uncertain significance (1). 1 of the submissions does not count toward it. Last evaluated 2023-11-04.

Conditions:
Intellectual developmental disorder, autosomal dominant 6, with or without seizures. Also called: Intellectual disability, autosomal dominant 6; GRIN2B-related developmental delay, intellectual disability and autism spectrum disorder. Identifiers: Orphanet 589547, MedGen C3151411, MONDO:0013509, OMIM 613970.
Developmental and epileptic encephalopathy, 27 (DEE27). Also called: Epileptic encephalopathy, early infantile, 27; GRIN2B-Related Neurodevelopmental Disorder. Identifiers: Orphanet 3451, MedGen C4015316, MONDO:0014505, OMIM 616139.

Allele frequency attached by ClinVar (database versions not stated): gnomAD exomes below 0.00001.
gnomAD v4.1: 20 of 1,614,160 alleles (0.0012%); highest among the groups gnomAD compares: Non-Finnish European, 0.0017%; no homozygotes.

Submissions (2):

Labcorp Genetics (formerly Invitae), Labcorp
Classification: Uncertain significance for Developmental and epileptic encephalopathy, 27; Intellectual developmental disorder, autosomal dominant 6, with or without seizures. Last evaluated: 2023-11-04. Review status: criteria provided, single submitter. Criteria: Invitae Variant Classification Sherloc (09022015). Collection method: clinical testing. Allele origin: germline.
Comment: This sequence change replaces arginine, which is basic and polar, with glycine, which is neutral and non-polar, at codon 1048 of the GRIN2B protein (p.Arg1048Gly). This variant is present in population databases (no rsID available, gnomAD 0.0009%). This variant has not been reported in the literature in individuals affected with GRIN2B-related conditions. ClinVar contains an entry for this variant (Variation ID: 938469). Advanced modeling of protein sequence and biophysical properties (such as structural, functional, and spatial information, amino acid conservation, physicochemical variation, residue mobility, and thermodynamic stability) has been performed at Invitae for this missense variant, however the output from this modeling did not meet the statistical confidence thresholds required to predict the impact of this variant on GRIN2B protein function. In summary, the available evidence is currently insufficient to determine the role of this variant in disease. Therefore, it has been classified as a Variant of Uncertain Significance.

Hong-Tao Li Lab, Institute of Brain Science and Brain-inspired Research, Shandong First Medical University & Shandong Academy of Medical Sciences China
Classification: Uncertain significance for Developmental and epileptic encephalopathy, 27. Review status: no assertion criteria provided. Collection method: research. Allele origin: germline. Inheritance: Autosomal dominant inheritance. Affected: yes. Observed: 1 variant allele, 1 heterozygote. Not counted in ClinVar's aggregate classification.
Comment: Observed in affected individuals from a Pakistani neurodevelopmental-disorder research cohort of 263 individuals. Classification assigned using the ACMG/AMP framework. Population-frequency evidence: gnomAD AF 3.978e-06.

NM_000834.5(GRIN2B):c.3142C>G (p.Arg1048Gly)

Gene: GRIN2B (glutamate ionotropic receptor NMDA type subunit 2B; minus strand). Cytogenetic location: 12p13.1.
Variant type: single nucleotide variant.
Coding change: c.3142C>G on transcript NM_000834.5 (MANE Select); coding-DNA position 3142, C replaced by G.
Protein change: p.Arg1048Gly; replaces arginine 1048 with glycine.
Molecular consequence: missense variant.
Genome position (GRCh38, 1-based): chr12:13,564,096, G>C on the plus strand (C>G on the coding strand, the complement: GRIN2B is on the minus strand). VCF-style: chr12-13564096-G-C. GRCh37 (hg19) VCF-style: chr12-13717030-G-C.
Other names: short protein forms R1048G.
Identifiers: ClinVar variation 938469 (VCV000938469.11), dbSNP rs1216931858, ClinGen allele CA383990719.
Genomic context (GRCh38, chr12:13,564,096, plus strand): 5'-CGGTGTGGGTTGAGATGTCAGAGACATCGGAGCGGATCAAGTCGTCGTGGCCACTGTAGC[G>C]GTCGCTCTTGAAGGAGAATTTGCCGTACAGGTCACTGAGCTGGCTGTGCTTGGAGGAGGG-3'
Protein context (NP_000825.2, residues 1038-1058): LYGKFSFKSD[Arg1048Gly]YSGHDDLIRS